The following is an entry in ClinVar:

NM_130466.4(UBE3B):c.493A>T (p.Met165Leu)

Gene: UBE3B (ubiquitin protein ligase E3B; plus strand). Cytogenetic location: 12q24.11.
Variant type: single nucleotide variant.
Coding change: c.493A>T on transcript NM_130466.4 (MANE Select); coding-DNA position 493, A replaced by T.
Protein change: p.Met165Leu; replaces methionine 165 with leucine.
Molecular consequence: missense variant.
Genome position (GRCh38, 1-based): chr12:109,488,617, A>T. VCF-style: chr12-109488617-A-T. GRCh37 (hg19) VCF-style: chr12-109926422-A-T.
Other names: c.493A>T, p.Met165Leu (NM_001270449.2, NM_001270450.2, NM_001270451.2 and 1 more transcripts); c.493A>T (NM_130466.2); short protein forms M165L.
Identifiers: ClinVar variation 2789550 (VCV002789550.4), dbSNP rs138001412, ClinGen allele CA6777537.

ClinVar aggregate classification (germline): Uncertain significance. Review status: criteria provided, multiple submitters, no conflicts (2 of 4 stars). 2 submissions from 2 submitters: Uncertain significance (2). Last evaluated 2025-08-30.

Conditions:
Inborn genetic diseases. Identifiers: MedGen C0950123, MeSH D030342.

Allele frequency attached by ClinVar (database versions not stated): TOPMed 0.00003.

Submissions (2):

Ambry Genetics
Classification: Uncertain significance for Inborn genetic diseases. Last evaluated: 2025-08-30. Review status: criteria provided, single submitter. Criteria: Ambry Variant Classification Scheme 2023. Collection method: clinical testing. Allele origin: germline.

Labcorp Genetics (formerly Invitae), Labcorp
Classification: Uncertain significance. Last evaluated: 2024-03-02. Review status: criteria provided, single submitter. Criteria: Invitae Variant Classification Sherloc (09022015). Collection method: clinical testing. Allele origin: germline.
Comment: This sequence change replaces methionine, which is neutral and non-polar, with leucine, which is neutral and non-polar, at codon 165 of the UBE3B protein (p.Met165Leu). This variant is present in population databases (rs138001412, gnomAD 0.006%). This variant has not been reported in the literature in individuals affected with UBE3B-related conditions. Advanced modeling of protein sequence and biophysical properties (such as structural, functional, and spatial information, amino acid conservation, physicochemical variation, residue mobility, and thermodynamic stability) performed at Invitae indicates that this missense variant is not expected to disrupt UBE3B protein function with a negative predictive value of 80%. In summary, the available evidence is currently insufficient to determine the role of this variant in disease. Therefore, it has been classified as a Variant of Uncertain Significance.